The following is an entry in ClinVar:

NM_003072.5(SMARCA4):c.761-11C>T

Gene: SMARCA4 (SWI/SNF related BAF chromatin remodeling complex subunit ATPase 4; plus strand). Cytogenetic location: 19p13.2.
Variant type: single nucleotide variant.
Coding change: c.761-11C>T on transcript NM_003072.5 (MANE Select); 11 bases into the intron before coding-DNA position 761, C replaced by T.
Molecular consequence: intron variant.
Genome position (GRCh38, 1-based): chr19:10,986,894, C>T. VCF-style: chr19-10986894-C-T. GRCh37 (hg19) VCF-style: chr19-11097570-C-T.
Other names: c.761-11C>T (NM_001128844.3, NM_001128849.3, NM_001128847.4 and 5 more transcripts).
Identifiers: ClinVar variation 1570900 (VCV001570900.10), dbSNP rs2145794545, ClinGen allele CA2573155682.

ClinVar aggregate classification (germline): Conflicting classifications of pathogenicity. Review status: criteria provided, conflicting classifications (1 of 4 stars). 3 submissions from 3 submitters: Uncertain significance (1); Likely benign (2). Last evaluated 2026-07-06.

Conditions:
Hereditary cancer-predisposing syndrome. Also called: Neoplastic Syndromes, Hereditary; Tumor predisposition; Hereditary Cancer Syndrome; Hereditary neoplastic syndrome. Identifiers: Orphanet 140162, MedGen C0027672, MeSH D009386, MONDO:0015356.
Rhabdoid tumor predisposition syndrome 2 (RTPS2). Identifiers: Orphanet 231108, Orphanet 69077, MedGen C2750074, MONDO:0013224, OMIM 613325.

Submissions (3):

Myriad Genetics, Inc.
Classification: Likely benign for Rhabdoid tumor predisposition syndrome 2. Last evaluated: 2026-07-06. Review status: criteria provided, single submitter. Criteria: Myriad Autosomal Dominant, Autosomal Recessive and X-Linked Classification Criteria (2023). Collection method: clinical testing. Allele origin: unknown.
Comment: This variant is considered likely benign. This variant is intronic and is not expected to impact mRNA splicing.

Labcorp Genetics (formerly Invitae), Labcorp
Classification: Likely benign for Rhabdoid tumor predisposition syndrome 2. Last evaluated: 2025-12-10. Review status: criteria provided, single submitter. Criteria: Invitae Variant Classification Sherloc (09022015). Collection method: clinical testing. Allele origin: germline.

Sema4
Classification: Uncertain significance for Hereditary cancer-predisposing syndrome. Last evaluated: 2022-02-15. Review status: criteria provided, single submitter. Criteria: Sema4 Curation Guidelines. Collection method: curation. Allele origin: germline.
Comment: The SMARCA4 c.761-11C>T variant has not been reported in the literature to our knowledge. This variant is not reported in the population database Genome Aggregation Database (PMID: 32461654). This variant has not been reported in ClinVar. In silico tools do not suggest a negative effect on normal splicing, though these predictions have not been confirmed by functional studies. The evidence is insufficient to meet ACMG/AMP criteria for classifying the variant as benign or pathogenic. Thus, the clinical significance of this variant is currently uncertain.